The following is an entry in ClinVar:

NM_016579.4(CD320):c.166C>T (p.Pro56Ser)

Gene: CD320 (CD320 molecule; minus strand). Cytogenetic location: 19p13.2.
Variant type: single nucleotide variant.
Coding change: c.166C>T on transcript NM_016579.4 (MANE Select); coding-DNA position 166, C replaced by T.
Protein change: p.Pro56Ser; replaces proline 56 with serine.
Molecular consequence: missense variant. On other transcripts: intron variant (1).
Genome position (GRCh38, 1-based): chr19:8,305,133, G>A on the plus strand (C>T on the coding strand, the complement: CD320 is on the minus strand). VCF-style: chr19-8305133-G-A. GRCh37 (hg19) VCF-style: chr19-8370017-G-A.
Other names: c.143-1045C>T (NM_001165895.2); short protein forms P56S.
Identifiers: ClinVar variation 2778881 (VCV002778881.3), dbSNP rs1970070203, ClinGen allele CA403715725.
Genomic context (GRCh38, chr19:8,305,133, plus strand): 5'-TGTCGCAGCGCCAGGTGAGGGGCACGCATAAGCCACTGGTGCGGCACTGGAACTTGGTGG[G>A]TGGGCACGAGCCTGAGCTGGGGCCTGCGAGATGGATGCAAATGAAGCCTGGGAAGCTGGA-3'
Protein context (NP_057663.1, residues 46-66): AAGPSSGSCP[Pro56Ser]TKFQCRTSGL

ClinVar aggregate classification (germline): Uncertain significance (1 of 4 stars; one submission).

Conditions:
Methylmalonic acidemia due to transcobalamin receptor defect (MATR). Also called: METHYLMALONIC ACIDURIA, TRANSIENT, DUE TO TRANSCOBALAMIN RECEPTOR DEFECT; METHYLMALONIC ACIDEMIA, TCblR TYPE. Identifiers: Orphanet 280183, MedGen C4749905, MONDO:0013341, OMIM 613646.

Allele frequency attached by ClinVar (database versions not stated): TOPMed below 0.00001; gnomAD exomes 0.00001.
gnomAD v4.1: 3 of 1,610,932 alleles (0.00019%); highest among the groups gnomAD compares: Non-Finnish European, 0.00017%; no homozygotes.

Submission:

Labcorp Genetics (formerly Invitae), Labcorp
Classification: Uncertain significance for Methylmalonic acidemia due to transcobalamin receptor defect. Last evaluated: 2024-03-02. Review status: criteria provided, single submitter. Criteria: Invitae Variant Classification Sherloc (09022015). Collection method: clinical testing. Allele origin: germline.
Comment: This sequence change replaces proline, which is neutral and non-polar, with serine, which is neutral and polar, at codon 56 of the CD320 protein (p.Pro56Ser). This variant is not present in population databases (gnomAD no frequency). This variant has not been reported in the literature in individuals affected with CD320-related conditions. Algorithms developed to predict the effect of missense changes on protein structure and function output the following: SIFT: "Not Available"; PolyPhen-2: "Benign"; Align-GVGD: "Not Available". The serine amino acid residue is found in multiple mammalian species, which suggests that this missense change does not adversely affect protein function. In summary, the available evidence is currently insufficient to determine the role of this variant in disease. Therefore, it has been classified as a Variant of Uncertain Significance.